The following is an entry in ClinVar:

ClinVar aggregate classification (germline): Uncertain significance (1 of 4 stars; one submission).

Submission:

Labcorp Genetics (formerly Invitae), Labcorp
Classification: Uncertain significance. Last evaluated: 2022-07-11. Review status: criteria provided, single submitter. Criteria: Invitae Variant Classification Sherloc (09022015). Collection method: clinical testing. Allele origin: germline.
Comment: In summary, the available evidence is currently insufficient to determine the role of this variant in disease. Therefore, it has been classified as a Variant of Uncertain Significance. Advanced modeling of protein sequence and biophysical properties (such as structural, functional, and spatial information, amino acid conservation, physicochemical variation, residue mobility, and thermodynamic stability) performed at Invitae indicates that this missense variant is expected to disrupt CACNA1B protein function. This variant has not been reported in the literature in individuals affected with CACNA1B-related conditions. This variant is not present in population databases (gnomAD no frequency). This sequence change replaces isoleucine, which is neutral and non-polar, with valine, which is neutral and non-polar, at codon 1632 of the CACNA1B protein (p.Ile1632Val).

NM_000718.4(CACNA1B):c.4894A>G (p.Ile1632Val)

Gene: CACNA1B (calcium voltage-gated channel subunit alpha1 B; plus strand). Cytogenetic location: 9q34.3.
Variant type: single nucleotide variant.
Coding change: c.4894A>G on transcript NM_000718.4 (MANE Select); coding-DNA position 4894, A replaced by G.
Protein change: p.Ile1632Val; replaces isoleucine 1632 with valine.
Molecular consequence: missense variant.
Genome position (GRCh38, 1-based): chr9:138,075,855, A>G. VCF-style: chr9-138075855-A-G. GRCh37 (hg19) VCF-style: chr9-140970307-A-G.
Other names: c.4894A>G, p.Ile1632Val (NM_001243812.2); short protein forms I1632V.
Identifiers: ClinVar variation 2015917 (VCV002015917.4), dbSNP rs2539500487, ClinGen allele CA375819524.